The following is an entry in ClinVar:

ClinVar aggregate classification (germline): Pathogenic (1 of 4 stars; one submission).

Conditions:
Hereditary sensory and autonomic neuropathy type 6. Also called: HSAN VI; Neuropathy, hereditary sensory and autonomic, type VI. Identifiers: Orphanet 314381, MedGen C3539003, MONDO:0013839, OMIM 614653.
Epidermolysis bullosa simplex 3, localized or generalized intermediate, with BP230 deficiency (EBS3). Also called: Epidermolysis bullosa simplex, autosomal recessive 2; Epidermolysis bullosa simplex due to BP230 deficiency. Identifiers: Orphanet 412181, MedGen C3809470, MONDO:0014180, OMIM 615425.

Submission:

Labcorp Genetics (formerly Invitae), Labcorp
Classification: Pathogenic for Epidermolysis bullosa simplex 3, localized or generalized intermediate, with BP230 deficiency; Hereditary sensory and autonomic neuropathy type 6. Last evaluated: 2022-03-23. Review status: criteria provided, single submitter. Criteria: Invitae Variant Classification Sherloc (09022015). Collection method: clinical testing. Allele origin: germline.
Comment: For these reasons, this variant has been classified as Pathogenic. This sequence change creates a premature translational stop signal (p.Leu4533Phefs*26) in the DST gene. It is expected to result in an absent or disrupted protein product. Loss-of-function variants in DST are known to be pathogenic (PMID: 22522446, 25059916, 30371979). This variant is not present in population databases (gnomAD no frequency). This variant has not been reported in the literature in individuals affected with DST-related conditions.

Literature cited by the submitters: PubMed 22522446; PubMed 25059916; PubMed 30371979.

NM_001374736.1(DST):c.21465_21466insTT (p.Leu7156fs)

Gene: DST (dystonin; minus strand). Cytogenetic location: 6p12.1.
Variant type: Insertion.
Coding change: c.21465_21466insTT on transcript NM_001374736.1 (MANE Select); coding-DNA positions 21465 to 21466, TT inserted.
Protein change: p.Leu7156fs; shifts the reading frame from leucine 7156.
Molecular consequence: frameshift variant.
Genome position: GRCh38 VCF-style: chr6-56482115-G-GAA. GRCh37 (hg19) VCF-style: chr6-56346913-G-GAA.
Other names: c.15108_15109insTT, p.Leu5037fs (NM_001144769.5); c.14694_14695insTT, p.Leu4899fs (NM_001144770.2); c.21465_21466insTT, p.Leu7156fs (NM_001374722.1); c.20505_20506insTT, p.Leu6836fs (NM_001374729.1); c.14247_14248insTT, p.Leu4750fs (NM_001374730.1); c.21492_21493insTT, p.Leu7165fs (NM_001374734.1); c.14574_14575insTT, p.Leu4859fs (NM_001386100.1, NM_183380.4); c.13596_13597insTT, p.Leu4533fs (NM_015548.5); short protein forms L4533fs, L4750fs, L4899fs, L7165fs, L4859fs, L5037fs, L6836fs, L7156fs.
Identifiers: ClinVar variation 2116360 (VCV002116360.4), dbSNP rs2533685277, ClinGen allele CA2580075558.